The following is an entry in ClinVar:

NM_000202.8(IDS):c.103+2T>A

Gene: IDS (iduronate 2-sulfatase; minus strand). Cytogenetic location: Xq28.
Variant type: single nucleotide variant.
Coding change: c.103+2T>A on transcript NM_000202.8 (MANE Select); the canonical splice donor site of the intron after coding-DNA position 103, T replaced by A.
Molecular consequence: splice donor variant.
Genome position (GRCh38, 1-based): chrX:149,505,033, A>T on the plus strand (T>A on the coding strand, the complement: IDS is on the minus strand). VCF-style: chrX-149505033-A-T. GRCh37 (hg19) VCF-style: chrX-148586563-A-T.
Other names: c.-124+2T>A (NM_001166550.4); c.103+2T>A (NM_006123.5).
Identifiers: ClinVar variation 3255730 (VCV003255730.2).

ClinVar aggregate classification (germline): Pathogenic (1 of 4 stars; one submission).

Conditions:
Mucopolysaccharidosis, MPS-II (MPS2). Also called: Hunter Syndrome; IDURONATE 2-SULFATASE DEFICIENCY; Mucopolysaccharidosis Type II; Mucopolysaccharidosis type 2; Attenuated MPS (subtype; formerly known as mild MPS II); Severe MPS II. Identifiers: Orphanet 580, Orphanet 79388, MedGen C0026705, MONDO:0010674, OMIM 309900.

Submission:

Laboratory of Diagnosis and Therapy of Lysosomal Disorders, University of Padova
Classification: Pathogenic for Mucopolysaccharidosis, MPS-II. Last evaluated: 2024-06-07. Review status: criteria provided, single submitter. Criteria: ACMG Guidelines, 2015. Collection method: literature only. Allele origin: germline. Affected: yes. Observed: 1 variant allele.
Comment: Null variant (PVS1_VeryStrong), Absent from controls (or at low frequency) in gnomAD database (PM2_Moderate), Patient’s phenotype or family history highly specific for the disease (PP4_Strong)

Classification method: ACMG Guidelines [PMID:25741868] with modifications

Literature cited by the submitters: PubMed 17391447.